The following is an entry in ClinVar:

NM_000135.4(FANCA):c.2212C>A (p.Pro738Thr)

Gene: FANCA (FA complementation group A; minus strand). Cytogenetic location: 16q24.3.
Variant type: single nucleotide variant.
Coding change: c.2212C>A on transcript NM_000135.4 (MANE Select); coding-DNA position 2212, C replaced by A.
Protein change: p.Pro738Thr; replaces proline 738 with threonine.
Molecular consequence: missense variant.
Genome position (GRCh38, 1-based): chr16:89,770,574, G>T on the plus strand (C>A on the coding strand, the complement: FANCA is on the minus strand). VCF-style: chr16-89770574-G-T. GRCh37 (hg19) VCF-style: chr16-89836982-G-T.
Other names: c.2212C>A, p.Pro738Thr (NM_001286167.3); short protein forms P738T.
Identifiers: ClinVar variation 955526 (VCV000955526.10), dbSNP rs751015814, ClinGen allele CA8251846.

ClinVar aggregate classification (germline): Uncertain significance. Review status: criteria provided, multiple submitters, no conflicts (2 of 4 stars). 4 submissions from 4 submitters: Uncertain significance (3). 1 of the submissions does not count toward it. Last evaluated 2024-11-24.

Conditions:
Fanconi anemia (FA). Also called: Fanconi's anemia. Identifiers: Orphanet 84, MedGen C0015625, MeSH D005199, MONDO:0019391.
Inborn genetic diseases. Identifiers: MedGen C0950123, MeSH D030342.
Fanconi anemia complementation group A (FANCA). Also called: Fanconi anemia, group A; FANCA-Related Fanconi Anemia. Identifiers: Orphanet 84, MedGen C3469521, MONDO:0009215, OMIM 227650.

gnomAD v4.1: 5 of 1,610,336 alleles (0.00031%); highest among the groups gnomAD compares: Admixed American, 0.0017%; no homozygotes.

Submissions (4):

Ambry Genetics
Classification: Uncertain significance for Inborn genetic diseases. Last evaluated: 2024-11-24. Review status: criteria provided, single submitter. Criteria: Ambry Variant Classification Scheme 2023. Collection method: clinical testing. Allele origin: germline.
Comment: The p.P738T variant (also known as c.2212C>A), located in coding exon 24 of the FANCA gene, results from a C to A substitution at nucleotide position 2212. The proline at codon 738 is replaced by threonine, an amino acid with highly similar properties. This amino acid position is conserved. In addition, this alteration is predicted to be tolerated by in silico analysis. Based on the available evidence, the clinical significance of this variant remains unclear.

Labcorp Genetics (formerly Invitae), Labcorp
Classification: Uncertain significance for Fanconi anemia. Last evaluated: 2024-08-11. Review status: criteria provided, single submitter. Criteria: Invitae Variant Classification Sherloc (09022015). Collection method: clinical testing. Allele origin: germline.
Comment: This sequence change replaces proline, which is neutral and non-polar, with threonine, which is neutral and polar, at codon 738 of the FANCA protein (p.Pro738Thr). The frequency data for this variant in the population databases is considered unreliable, as metrics indicate poor data quality at this position in the gnomAD database. This variant has not been reported in the literature in individuals affected with FANCA-related conditions. ClinVar contains an entry for this variant (Variation ID: 955526). Advanced modeling of protein sequence and biophysical properties (such as structural, functional, and spatial information, amino acid conservation, physicochemical variation, residue mobility, and thermodynamic stability) performed at Invitae indicates that this missense variant is expected to disrupt FANCA protein function with a positive predictive value of 80%. In summary, the available evidence is currently insufficient to determine the role of this variant in disease. Therefore, it has been classified as a Variant of Uncertain Significance.

Fulgent Genetics
Classification: Uncertain significance for Fanconi anemia complementation group A. Last evaluated: 2024-03-12. Review status: criteria provided, single submitter. Criteria: ACMG Guidelines, 2015. Collection method: clinical testing. Allele origin: germline.

Natera, Inc.
Classification: Uncertain significance for Fanconi anemia. Last evaluated: 2020-12-15. Review status: no assertion criteria provided. Collection method: clinical testing. Allele origin: germline. Not counted in ClinVar's aggregate classification.